The following is an entry in ClinVar:

NM_001365276.2(TNXB):c.2662C>G (p.Pro888Ala)

Gene: TNXB (tenascin XB; minus strand). Cytogenetic location: 6p21.33.
Variant type: single nucleotide variant.
Coding change: c.2662C>G on transcript NM_001365276.2 (MANE Select); coding-DNA position 2662, C replaced by G.
Protein change: p.Pro888Ala; replaces proline 888 with alanine.
Molecular consequence: missense variant.
Genome position (GRCh38, 1-based): chr6:32,088,902, G>C on the plus strand (C>G on the coding strand, the complement: TNXB is on the minus strand). VCF-style: chr6-32088902-G-C. GRCh37 (hg19) VCF-style: chr6-32056679-G-C.
Other names: c.2662C>G, p.Pro888Ala (NM_019105.8); short protein forms P888A.
Identifiers: ClinVar variation 1794461 (VCV001794461.6), dbSNP rs368497853, ClinGen allele CA3735435.
Genomic context (GRCh38, chr6:32,088,902, plus strand): 5'-CAGTCACCACATATTCTACGCCTGGCATCAGGTCAGTCAGCAGCGTCCCGTCTGCTTCAG[G>C]GGGCACTTCCAGCCTCACCCTCTGGTTGCCGGCACTGACGTAGGACACCACAAATCGGTC-3'
Protein context (NP_001352205.1, residues 878-898): GNQRVRLEVP[Pro888Ala]EADGTLLTDL

ClinVar aggregate classification (germline): Uncertain significance. Review status: criteria provided, multiple submitters, no conflicts (2 of 4 stars). 4 submissions from 4 submitters: Uncertain significance (4). Last evaluated 2026-06-29.

Conditions:
Ehlers-Danlos syndrome due to tenascin-X deficiency (EDSCLL1). Also called: EDS DUE TO TNX DEFICIENCY; TNX DEFICIENCY; Ehlers-Danlos syndrome, classic-like, 1; EHLERS-DANLOS SYNDROME, CLASSIC-LIKE; TNXB-Related Classical-Like Ehlers-Danlos Syndrome. Identifiers: Orphanet 230839, MedGen C1848029, MONDO:0011670, OMIM 606408.
Vesicoureteral reflux 8 (VUR8). Identifiers: Orphanet 289365, MedGen C4014831, MONDO:0014422, OMIM 615963.
Cardiovascular phenotype. Identifiers: MedGen CN230736.

Allele frequency attached by ClinVar (database versions not stated): TOPMed 0.00002; 1000 Genomes Project 0.00020; ExAC 0.00012; 1000 Genomes Project 30x 0.00031.
gnomAD v4.1: 35 of 1,596,110 alleles (0.0022%); highest among the groups gnomAD compares: East Asian, 0.048%; no homozygotes.

Submissions (4):

Women's Health and Genetics/Laboratory Corporation of America, LabCorp
Classification: Uncertain significance. Last evaluated: 2026-06-29. Review status: criteria provided, single submitter. Criteria: LabCorp Variant Classification Summary - May 2015. Collection method: clinical testing. Allele origin: germline.
Comment: Variant summary: TNXB c.2662C>G (p.Pro888Ala) results in a non-conservative amino acid change in the encoded protein sequence. Algorithms developed to predict the effect of missense changes on protein structure and function are either unavailable or do not agree on the potential impact of this missense change. The variant allele was found at a frequency of 7.2e-05 in 220718 control chromosomes. This frequency is not significantly higher than estimated for disease-causing variants in TNXB, allowing no conclusion about variant significance. To our knowledge, no occurrence of c.2662C>G in individuals affected with TNXB-related conditions and no experimental evidence demonstrating its impact on protein function have been reported. ClinVar contains an entry for this variant (Variation ID: 1794461). Based on the evidence outlined above, the variant was classified as uncertain significance.

Ambry Genetics
Classification: Uncertain significance for Cardiovascular phenotype. Last evaluated: 2025-06-03. Review status: criteria provided, single submitter. Criteria: Ambry Variant Classification Scheme 2023. Collection method: clinical testing. Allele origin: germline.

GeneDx
Classification: Uncertain significance. Last evaluated: 2025-03-14. Review status: criteria provided, single submitter. Criteria: GeneDx Variant Classification Process June 2021. Collection method: clinical testing. Allele origin: germline. Affected: yes.
Comment: In silico analysis supports that this missense variant has a deleterious effect on protein structure/function; Has not been previously published as pathogenic or benign to our knowledge

Fulgent Genetics
Classification: Uncertain significance for Ehlers-Danlos syndrome due to tenascin-X deficiency; Vesicoureteral reflux 8. Last evaluated: 2024-03-18. Review status: criteria provided, single submitter. Criteria: ACMG Guidelines, 2015. Collection method: clinical testing. Allele origin: germline.